The following continues an entry in ClinVar:

NM_001267550.2(TTN):c.69821G>A (p.Gly23274Asp)

ClinVar aggregate classification (germline): Conflicting classifications of pathogenicity. Uncertain significance (6); Benign (5); Likely benign (8).

Submissions 21 to 28 of 28:

Clinical Genetics DNA and cytogenetics Diagnostics Lab, Erasmus MC, Erasmus Medical Center
Classification: Likely benign. Review status: no assertion criteria provided. Collection method: clinical testing. Allele origin: germline. Affected: yes. Study: VKGL Data-share Consensus. Not counted in ClinVar's aggregate classification.

Clinical Genetics, Academic Medical Center
Classification: Benign. Review status: no assertion criteria provided. Collection method: clinical testing. Allele origin: germline. Affected: yes. Study: VKGL Data-share Consensus. Not counted in ClinVar's aggregate classification.

Diagnostic Laboratory, Department of Genetics, University Medical Center Groningen
Classification: Likely benign. Review status: no assertion criteria provided. Collection method: clinical testing. Allele origin: germline. Affected: yes. Study: VKGL Data-share Consensus. Not counted in ClinVar's aggregate classification.

Genetics and Genomics Program, Sidra Medicine
Classification: Uncertain significance for Brugada syndrome. Review status: no assertion criteria provided. Collection method: research. Allele origin: unknown. Affected: yes. Not counted in ClinVar's aggregate classification.
Comment: The c.69821G>A missense variant in TTN is reported in gnomAD with a frequency of 0.0014 (PM2). It represents a novel missense change in a gene where other missense changes have been pathogenic (PM5). ACMG codes: PM5, PM2.

Genome Diagnostics Laboratory, University Medical Center Utrecht
Classification: Likely benign. Review status: no assertion criteria provided. Collection method: clinical testing. Allele origin: germline. Affected: yes. Study: VKGL Data-share Consensus. Not counted in ClinVar's aggregate classification.

Joint Genome Diagnostic Labs from Nijmegen and Maastricht, Radboudumc and MUMC+
Classification: Likely benign. Review status: no assertion criteria provided. Collection method: clinical testing. Allele origin: germline. Affected: yes. Study: VKGL Data-share Consensus. Not counted in ClinVar's aggregate classification.

Laboratory of Diagnostic Genome Analysis, Leiden University Medical Center (LUMC)
Classification: Likely benign. Review status: no assertion criteria provided. Collection method: clinical testing. Allele origin: germline. Affected: yes. Study: VKGL Data-share Consensus. Not counted in ClinVar's aggregate classification.

Ambry Genetics
Classification: Uncertain significance for Cardiovascular phenotype. Last evaluated: 2013-02-14. Review status: flagged submission. Criteria: Ambry Autosomal Dominant and X-Linked criteria (10/2015). Collection method: clinical testing. Allele origin: germline. Observed: 1 variant allele. Not counted in ClinVar's aggregate classification.
Comment: There is insufficient or conflicting evidence for classification of this alteration.
ClinVar note: Reason: This record appears to be redundant with a more recent record from the same submitter.
ClinVar note: Notes: SCV000318261 appears to be redundant with SCV000742433.

Literature cited by the submitters: PubMed 23396983 (cited by Mayo Clinic Laboratories, Mayo Clinic and Ambry Genetics); PubMed 24503780 (cited by 4 submitters); PubMed 32403337 (cited by Mayo Clinic Laboratories, Mayo Clinic); PubMed 28771489 (cited by Ambry Genetics).